The following is an entry in ClinVar:

NM_000518.5(HBB):c.-12C>T

Genes: HBB (hemoglobin subunit beta; minus strand), LOC106099062 (HBB recombination region; plus strand), LOC107133510 (origin of replication at HBB; plus strand). Cytogenetic location: 11p15.4.
Variant type: single nucleotide variant.
Coding change: c.-12C>T on transcript NM_000518.5 (MANE Select); 12 bases upstream of the start codon, C replaced by T.
Molecular consequence: 5 prime UTR variant.
Genome position (GRCh38, 1-based): chr11:5,227,033, G>A on the plus strand (C>T on the coding strand, the complement: HBB is on the minus strand). VCF-style: chr11-5227033-G-A. GRCh37 (hg19) VCF-style: chr11-5248263-G-A.
Identifiers: ClinVar variation 1804686 (VCV001804686.1), dbSNP rs113115948, ClinGen allele CA5839824.

ClinVar aggregate classification (germline): Uncertain significance (1 of 4 stars; one submission).

Allele frequency attached by ClinVar (database versions not stated): ExAC 0.00001; gnomAD 0.00001; 1000 Genomes Project 30x 0.00016; 1000 Genomes Project 0.00020.
gnomAD v4.1: 3 of 1,544,818 alleles (0.00019%); highest among the groups gnomAD compares: African/African-American, 0.0027%; no homozygotes.

Submission:

Women's Health and Genetics/Laboratory Corporation of America, LabCorp
Classification: Uncertain significance. Last evaluated: 2022-11-01. Review status: criteria provided, single submitter. Criteria: LabCorp Variant Classification Summary - May 2015. Collection method: clinical testing. Allele origin: germline.
Comment: Variant summary: HBB c.-12C>T is located in the untranslated mRNA region upstream of the initiation codon. 4/4 computational tools predict no significant impact on normal splicing. However, these predictions have yet to be confirmed by functional studies. The variant allele was found at a frequency of 4e-06 in 251022 control chromosomes. The available data on variant occurrences in the general population are insufficient to allow any conclusion about variant significance. c.-12C>T has been reported in the literature in individuals in carrier screening (Hu_2022) and affected with Hemoglobinopathy without strong evidence for causality (Chen_2010 and Xiong_2010). These reports do not provide unequivocal conclusions about association of the variant with Hemoglobinopathy. To our knowledge, no experimental evidence demonstrating an impact on protein function has been reported. No clinical diagnostic laboratories have submitted clinical-significance assessments for this variant to ClinVar after 2014. Based on the evidence outlined above, the variant was classified as uncertain significance.

Literature cited by the submitters: PubMed 20412082; PubMed 20181291; PubMed 35079019.